The following is an entry in ClinVar:

ClinVar aggregate classification (germline): Uncertain significance (1 of 4 stars; one submission).

Conditions:
Immunodeficiency 104. Also called: Severe combined immunodeficiency, autosomal recessive, T cell-negative, B cell-positive, NK cell-positive; Severe Combined Immune Deficiency, Autosomal Recessive, TCell -Negative, B Cell-Positive, NK Cell-Positive, IL7R-Related; IMMUNODEFICIENCY 104, SEVERE COMBINED; SCID, AUTOSOMAL RECESSIVE, T CELL-NEGATIVE, B CELL-POSITIVE, NK CELL-POSITIVE. Identifiers: MedGen C5676890, MONDO:0012163, OMIM 608971.

Allele frequency attached by ClinVar (database versions not stated): gnomAD exomes below 0.00001.
gnomAD v4.1: 1 of 1,613,656 alleles (0.000062%); highest among the groups gnomAD compares: South Asian, 0.0011%; no homozygotes.

Submission:

Labcorp Genetics (formerly Invitae), Labcorp
Classification: Uncertain significance for Immunodeficiency 104. Last evaluated: 2023-08-27. Review status: criteria provided, single submitter. Criteria: Invitae Variant Classification Sherloc (09022015). Collection method: clinical testing. Allele origin: germline.
Comment: In summary, the available evidence is currently insufficient to determine the role of this variant in disease. Therefore, it has been classified as a Variant of Uncertain Significance. Algorithms developed to predict the effect of missense changes on protein structure and function output the following: SIFT: "Not Available"; PolyPhen-2: "Benign"; Align-GVGD: "Not Available". The leucine amino acid residue is found in multiple mammalian species, which suggests that this missense change does not adversely affect protein function. This variant has not been reported in the literature in individuals affected with PTPRC-related conditions. This variant is not present in population databases (gnomAD no frequency). This sequence change replaces glutamine, which is neutral and polar, with leucine, which is neutral and non-polar, at codon 468 of the PTPRC protein (p.Gln468Leu).

NM_002838.5(PTPRC):c.1403A>T (p.Gln468Leu)

Gene: PTPRC (protein tyrosine phosphatase receptor type C; plus strand). Cytogenetic location: 1q32.1.
Variant type: single nucleotide variant.
Coding change: c.1403A>T on transcript NM_002838.5 (MANE Select); coding-DNA position 1403, A replaced by T.
Protein change: p.Gln468Leu; replaces glutamine 468 with leucine.
Molecular consequence: missense variant.
Genome position (GRCh38, 1-based): chr1:198,716,793, A>T. VCF-style: chr1-198716793-A-T. GRCh37 (hg19) VCF-style: chr1-198685922-A-T.
Other names: c.920A>T, p.Gln307Leu (NM_080921.4); short protein forms Q307L, Q468L.
Identifiers: ClinVar variation 2755670 (VCV002755670.3), dbSNP rs2527858393, ClinGen allele CA344037685.